The following is an entry in ClinVar:

ClinVar aggregate classification (germline): Conflicting classifications of pathogenicity. Review status: criteria provided, conflicting classifications (1 of 4 stars). 8 submissions from 8 submitters: Uncertain significance (2); Benign (1); Likely benign (5). Last evaluated 2026-07-01.

Conditions:
PNKP-related disorder. Also called: PNKP-related disorders; PNKP-related condition.
Inborn genetic diseases. Identifiers: MedGen C0950123, MeSH D030342.
Developmental and epileptic encephalopathy, 12 (DEE12). Identifiers: MedGen C3150988, MONDO:0013389, OMIM 613722.
Microcephaly, seizures, and developmental delay. Identifiers: Orphanet 1934, MedGen C3150667, MONDO:0013254, OMIM 613402.

Allele frequency attached by ClinVar (database versions not stated): TOPMed 0.00046; ESP Exome Variant Server 0.00008.
gnomAD v4.1: 300 of 1,558,280 alleles (0.019%); highest among the groups gnomAD compares: Admixed American, 0.57%; 2 homozygotes.

Submissions (8):

CeGaT Center for Human Genetics Tuebingen
Classification: Likely benign. Last evaluated: 2026-07-01. Review status: criteria provided, single submitter. Criteria: CeGaT Center For Human Genetics Tuebingen Variant Classification Criteria Version 2. Collection method: clinical testing. Allele origin: germline. Affected: yes. Observed: 2 variant alleles.
Comment: PNKP: PM5, BS1, BS2

Labcorp Genetics (formerly Invitae), Labcorp
Classification: Benign for Developmental and epileptic encephalopathy, 12. Last evaluated: 2026-02-03. Review status: criteria provided, single submitter. Criteria: Invitae Variant Classification Sherloc (09022015). Collection method: clinical testing. Allele origin: germline.

PreventionGenetics, part of Exact Sciences
Classification: Likely benign for PNKP-related condition. Last evaluated: 2024-12-31. Review status: criteria provided, single submitter. Criteria: ACMG Guidelines, 2015. Collection method: clinical testing. Allele origin: germline.
Comment: This variant is classified as likely benign based on ACMG/AMP sequence variant interpretation guidelines (Richards et al. 2015 PMID: 25741868, with internal and published modifications).

Athena Diagnostics
Classification: Likely benign. Last evaluated: 2024-09-17. Review status: criteria provided, single submitter. Criteria: Athena Diagnostics Criteria. Collection method: clinical testing. Allele origin: unknown.

Ambry Genetics
Classification: Likely benign for Inborn genetic diseases. Last evaluated: 2018-07-10. Review status: criteria provided, single submitter. Criteria: Ambry Variant Classification Scheme 2023. Collection method: clinical testing. Allele origin: germline.

Eurofins Ntd Llc (ga)
Classification: Likely benign. Last evaluated: 2017-09-29. Review status: criteria provided, single submitter. Criteria: EGL Classification Definitions 2015. Collection method: clinical testing. Allele origin: germline. Observed: 3 variant alleles, 3 heterozygotes.

GeneDx
Classification: Uncertain significance. Last evaluated: 2017-06-21. Review status: criteria provided, single submitter. Criteria: GeneDx Variant Classification (06012015). Collection method: clinical testing. Allele origin: germline. Affected: yes.
Comment: A variant of uncertain significance has been identified in the PNKP gene. The R462Q variant has not been published as a pathogenic variant, nor has it been reported as a benign variant to our knowledge. The R462Q variant is a semi-conservative amino acid substitution, which may impact secondary protein structure as these residues differ in some properties. This substitution occurs at a position that is conserved across species. A different missense variant at the same position (R462P) has been reported in Human Gene Mutation Database in association with a PNKP-related disorder (Stenson et al., 2014), supporting the functional importance of this region of the protein. However, the R462Q variant is observed in 17/514 (3.3%) alleles from individuals of Latino background in the ExAC dataset, which is greater than expected for this disorder (Lek et al., 2016; 1000 Genomes Consortium et al., 2015; Exome Variant Server). In silico analysis is inconsistent in its predictions as to whether or not the variant is damaging to the protein structure/function. Therefore, based on the currently available information, it is unclear whether this variant is a pathogenic variant or a rare benign variant.

Genetic Services Laboratory, University of Chicago
Classification: Uncertain significance for Epileptic encephalopathy, early infantile, 10. Last evaluated: 2013-11-26. Review status: criteria provided, single submitter. Criteria: ACMG Guidelines, 2007. Collection method: clinical testing. Allele origin: germline. Inheritance: Autosomal recessive inheritance.

Literature cited by the submitters: PubMed 33332469 (cited by Athena Diagnostics); PubMed 27066586 (cited by Ambry Genetics); PubMed 27232581 (cited by Ambry Genetics).

NM_007254.4(PNKP):c.1385G>A (p.Arg462Gln)

Gene: PNKP (polynucleotide kinase 3'-phosphatase; minus strand). Cytogenetic location: 19q13.33.
Variant type: single nucleotide variant.
Coding change: c.1385G>A on transcript NM_007254.4 (MANE Select); coding-DNA position 1385, G replaced by A.
Protein change: p.Arg462Gln; replaces arginine 462 with glutamine.
Molecular consequence: missense variant.
Genome position (GRCh38, 1-based): chr19:49,861,609, C>T on the plus strand (G>A on the coding strand, the complement: PNKP is on the minus strand). VCF-style: chr19-49861609-C-T. GRCh37 (hg19) VCF-style: chr19-50364866-C-T.
Other names: short protein forms R462Q.
Identifiers: ClinVar variation 95479 (VCV000095479.29), dbSNP rs376854895, ClinGen allele CA223010.
Genomic context (GRCh38, chr19:49,861,609, plus strand): 5'-AGGGGAGGAGGGGGGTCAGGGGGTGCAGCCCGGGGGGTGTCCGGGCTGAGCGGGCTCACC[C>T]GGTTGTTGTGGCGCGCCTGCTCCAGAGTGGCGGTGAAGAGGAAGCAGCGGCAGGGGACGC-3'
Protein context (NP_009185.2, residues 452-472): ATLEQARHNN[Arg462Gln]FREMTDSSHI